The following is an entry in ClinVar:

NM_006073.4(TRDN):c.502del (p.Glu168fs)

Gene: TRDN (triadin; minus strand). Cytogenetic location: 6q22.31.
Variant type: Deletion.
Coding change: c.502del on transcript NM_006073.4 (MANE Select); coding-DNA position 502, one base deleted (G; older notation c.502delG).
Protein change: p.Glu168fs; shifts the reading frame from glutamic acid 168.
Molecular consequence: frameshift variant.
Genome position (GRCh38, 1-based): chr6:123,516,189, C deleted on the plus strand (G on the coding strand, the reverse complement: TRDN is on the minus strand). VCF-style (leftmost placement, unchanged base first): chr6-123516188-TC-T. GRCh37 (hg19) VCF-style: chr6-123837333-TC-T.
Other names: p.Glu168Lysfs*7; c.502del, p.Glu168fs (NM_001251987.2, NM_001256020.2, NM_001256021.2 and 1 more transcripts); short protein forms E168fs.
Identifiers: ClinVar variation 2682850 (VCV002682850.1), dbSNP rs2532329401, ClinGen allele CA2680231292.

ClinVar aggregate classification (germline): Likely pathogenic (1 of 4 stars; one submission).

Allele frequency attached by ClinVar (database versions not stated): gnomAD exomes below 0.00001.

Submission:

Mayo Clinic Laboratories, Mayo Clinic
Classification: Likely pathogenic. Last evaluated: 2022-02-03. Review status: criteria provided, single submitter. Criteria: ACMG Guidelines, 2015. Collection method: clinical testing. Allele origin: germline. Observed: 1 variant allele.
Comment: PM2, PVS1